The following is an entry in ClinVar:

NM_000388.4(CASR):c.1286A>C (p.His429Pro)

Gene: CASR (calcium sensing receptor; plus strand). Cytogenetic location: 3q21.1.
Variant type: single nucleotide variant.
Coding change: c.1286A>C on transcript NM_000388.4 (MANE Select); coding-DNA position 1286, A replaced by C.
Protein change: p.His429Pro; replaces histidine 429 with proline.
Molecular consequence: missense variant.
Genome position (GRCh38, 1-based): chr3:122,262,321, A>C. VCF-style: chr3-122262321-A-C. GRCh37 (hg19) VCF-style: chr3-121981168-A-C.
Other names: c.1286A>C, p.His429Pro (NM_001178065.2); short protein forms H429P.
Identifiers: ClinVar variation 3571793 (VCV003571793.1).

ClinVar aggregate classification (germline): Uncertain significance (1 of 4 stars; one submission).

Submission:

Athena Diagnostics
Classification: Uncertain significance. Last evaluated: 2024-08-07. Review status: criteria provided, single submitter. Criteria: Athena Diagnostics Criteria. Collection method: clinical testing. Allele origin: unknown.
Comment: Available data are insufficient to determine the clinical significance of the variant at this time. This variant has not been reported in large, multi-ethnic general populations. At least one other missense variant at this codon is considered to be benign or likely benign, suggesting this variant may not cause disease. Polyphen and MutationTaster predict this amino acid change may be damaging to the protein.